The following is an entry in ClinVar:

ClinVar aggregate classification (germline): Benign/Likely benign. Review status: criteria provided, multiple submitters, no conflicts (2 of 4 stars). 7 submissions from 7 submitters: Benign (1); Likely benign (5). 1 of the submissions does not count toward it. Last evaluated 2026-02-01.

Conditions:
LOX-related disorder. Also called: LOX-related disorders; LOX-related condition.
Cardiovascular phenotype. Identifiers: MedGen CN230736.

Allele frequency attached by ClinVar (database versions not stated): ExAC 0.00007; ESP Exome Variant Server 0.00008; gnomAD exomes 0.00009; TOPMed 0.00009; gnomAD 0.00010 and 0.00011.
gnomAD v4.1: 147 of 1,613,996 alleles (0.0091%); highest among the groups gnomAD compares: Non-Finnish European, 0.012%; no homozygotes.

Submissions (7):

Labcorp Genetics (formerly Invitae), Labcorp
Classification: Likely benign. Last evaluated: 2026-02-01. Review status: criteria provided, single submitter. Criteria: Invitae Variant Classification Sherloc (09022015). Collection method: clinical testing. Allele origin: germline.

Women's Health and Genetics/Laboratory Corporation of America, LabCorp
Classification: Benign. Last evaluated: 2023-12-26. Review status: criteria provided, single submitter. Criteria: LabCorp Variant Classification Summary - May 2015. Collection method: clinical testing. Allele origin: germline.

Ambry Genetics
Classification: Likely benign for Cardiovascular phenotype. Last evaluated: 2021-09-08. Review status: criteria provided, single submitter. Criteria: Ambry Variant Classification Scheme 2023. Collection method: clinical testing. Allele origin: germline.

GeneDx
Classification: Likely benign. Last evaluated: 2020-07-13. Review status: criteria provided, single submitter. Criteria: GeneDx Variant Classification Process June 2021. Collection method: clinical testing. Allele origin: germline. Affected: yes.

CeGaT Center for Human Genetics Tuebingen
Classification: Likely benign. Last evaluated: 2020-04-01. Review status: criteria provided, single submitter. Criteria: CeGaT Center For Human Genetics Tuebingen Variant Classification Criteria Version 2. Collection method: clinical testing. Allele origin: germline. Affected: yes. Observed: 1 variant allele.

Breakthrough Genomics
Classification: Likely benign. Review status: criteria provided, single submitter. Criteria: ACMG Guidelines, 2015. Collection method: not provided. Allele origin: germline. Inheritance: Autosomal dominant inheritance. Affected: yes.

PreventionGenetics, part of Exact Sciences
Classification: Likely benign for LOX-related condition. Last evaluated: 2024-07-24. Review status: no assertion criteria provided. Collection method: clinical testing. Allele origin: germline. Not counted in ClinVar's aggregate classification.
Comment: This variant is classified as likely benign based on ACMG/AMP sequence variant interpretation guidelines (Richards et al. 2015 PMID: 25741868, with internal and published modifications).

NM_002317.7(LOX):c.916C>T (p.Leu306=)

Genes: LOX (lysyl oxidase; minus strand), SRFBP1 (serum response factor binding protein 1; plus strand). Cytogenetic location: 5q23.1.
Variant type: single nucleotide variant.
Coding change: c.916C>T on transcript NM_002317.7 (MANE Select); coding-DNA position 916, C replaced by T.
Protein change: p.Leu306=; no amino-acid change (leucine 306 retained).
Molecular consequence: synonymous variant.
Genome position (GRCh38, 1-based): chr5:122,074,132, G>A on the plus strand (C>T on the coding strand, the complement: LOX is on the minus strand). VCF-style: chr5-122074132-G-A. GRCh37 (hg19) VCF-style: chr5-121409827-G-A.
Other names: c.226C>T, p.Leu76= (NM_001178102.2); c.25C>T, p.Leu9= (NM_001317073.1).
Identifiers: ClinVar variation 932394 (VCV000932394.50), dbSNP rs368947781, ClinGen allele CA3383899.